The following is an entry in ClinVar:

ClinVar aggregate classification (germline): Conflicting classifications of pathogenicity. Review status: criteria provided, conflicting classifications (1 of 4 stars). 3 submissions from 3 submitters: Pathogenic (1); Likely pathogenic (1); Uncertain significance (1). Last evaluated 2026-08-06.

Conditions:
Brain small vessel disease 2A, autosomal dominant. Also called: Porencephaly 2. Identifiers: Orphanet 2940, Orphanet 99810, MedGen C3280970, MONDO:0013773, OMIM 614483.

Submissions (3):

OLLIN Analises Genomicas, OLLIN
Classification: Likely pathogenic for Brain small vessel disease 2A, autosomal dominant. Last evaluated: 2026-08-06. Review status: criteria provided, single submitter. Criteria: ACMG Guidelines 2015 PMID 25741868. Collection method: clinical testing. Allele origin: germline. Inheritance: Autosomal dominant inheritance.
Comment: This frameshift variant, located in exon 34 (of 48), has been reported in ClinVar (accession VCV001686585.6) and in gnomAD with an allele frequency of 0.00056%. However, to our knowledge, it has not been reported in the scientific literature. This variant causes a frameshift and introduces a premature stop codon, which is predicted to result in either a truncated protein or degradation of the mRNA via nonsense-mediated decay (NMD). According to the currently available evidence, this variant has been classified as likely pathogenic (PVS1, PM2_P).

Labcorp Genetics (formerly Invitae), Labcorp
Classification: Pathogenic. Last evaluated: 2022-08-20. Review status: criteria provided, single submitter. Criteria: Invitae Variant Classification Sherloc (09022015). Collection method: clinical testing. Allele origin: germline.
Comment: For these reasons, this variant has been classified as Pathogenic. ClinVar contains an entry for this variant (Variation ID: 1686585). This variant has not been reported in the literature in individuals affected with COL4A2-related conditions. The frequency data for this variant in the population databases is considered unreliable, as metrics indicate poor data quality at this position in the gnomAD database. This sequence change creates a premature translational stop signal (p.Gly1043Alafs*24) in the COL4A2 gene. It is expected to result in an absent or disrupted protein product. Loss-of-function variants in COL4A2 are known to be pathogenic (PMID: 22333902, 30315939).

Mendelics
Classification: Uncertain significance. Last evaluated: 2022-05-04. Review status: criteria provided, single submitter. Criteria: Mendelics Assertion Criteria 2019. Collection method: clinical testing. Allele origin: germline.

Literature cited by the submitters: PubMed 22333902 (cited by Labcorp Genetics (formerly Invitae), Labcorp); PubMed 30315939 (cited by Labcorp Genetics (formerly Invitae), Labcorp).

NM_001846.4(COL4A2):c.3126del (p.Gly1043fs)

Gene: COL4A2 (collagen type IV alpha 2 chain; plus strand). Cytogenetic location: 13q34.
Variant type: Deletion.
Coding change: c.3126del on transcript NM_001846.4 (MANE Select); coding-DNA position 3126, one base deleted (C; older notation c.3126delC).
Protein change: p.Gly1043fs; shifts the reading frame from glycine 1043.
Molecular consequence: frameshift variant.
Genome position (GRCh38, 1-based): chr13:110,485,755, C deleted; the last of 4 consecutive C bases (chr13:110,485,752-110,485,755); deleting any one gives the same sequence. VCF-style (leftmost placement, unchanged base first): chr13-110485751-TC-T. GRCh37 (hg19) VCF-style: chr13-111138098-TC-T.
Other names: short protein forms G1043fs.
Identifiers: ClinVar variation 1686585 (VCV001686585.7), dbSNP rs1268038830, ClinGen allele CA612866857.